The following is an entry in ClinVar:

ClinVar aggregate classification (germline): Benign/Likely benign. Review status: criteria provided, multiple submitters, no conflicts (2 of 4 stars). 3 submissions from 3 submitters: Benign (1); Likely benign (2). Last evaluated 2026-08-01.

Allele frequency attached by ClinVar (database versions not stated): 1000 Genomes Project 0.00339; 1000 Genomes Project 30x 0.00484; TOPMed 0.00530; ESP Exome Variant Server 0.00538; ExAC 0.00559; gnomAD 0.00565 and 0.00578; gnomAD exomes 0.00577 and 0.00792.
gnomAD v4.1: 12,452 of 1,614,174 alleles (0.77%); highest among the groups gnomAD compares: East Asian, 1.2%; 67 homozygotes.

Submissions (3):

CeGaT Center for Human Genetics Tuebingen
Classification: Benign. Last evaluated: 2026-08-01. Review status: criteria provided, single submitter. Criteria: CeGaT Center For Human Genetics Tuebingen Variant Classification Criteria Version 2. Collection method: clinical testing. Allele origin: germline. Affected: yes. Observed: 20 variant alleles.
Comment: FAT2: PP2, BP4, BS1, BS2

Labcorp Genetics (formerly Invitae), Labcorp
Classification: Likely benign. Last evaluated: 2026-01-13. Review status: criteria provided, single submitter. Criteria: Invitae Variant Classification Sherloc (09022015). Collection method: clinical testing. Allele origin: germline.

Breakthrough Genomics
Classification: Likely benign. Review status: criteria provided, single submitter. Criteria: ACMG Guidelines, 2015. Collection method: not provided. Allele origin: germline. Inheritance: Autosomal dominant inheritance. Affected: yes.

NM_001447.3(FAT2):c.8719G>A (p.Ala2907Thr)

Genes: FAT2 (FAT atypical cadherin 2; minus strand), SLC36A1 (solute carrier family 36 member 1; plus strand). Cytogenetic location: 5q33.1.
Variant type: single nucleotide variant.
Coding change: c.8719G>A on transcript NM_001447.3 (MANE Select); coding-DNA position 8719, G replaced by A.
Protein change: p.Ala2907Thr; replaces alanine 2907 with threonine.
Molecular consequence: missense variant.
Genome position (GRCh38, 1-based): chr5:151,542,408, C>T on the plus strand (G>A on the coding strand, the complement: FAT2 is on the minus strand). VCF-style: chr5-151542408-C-T. GRCh37 (hg19) VCF-style: chr5-150921969-C-T.
Other names: short protein forms A2907T.
Identifiers: ClinVar variation 777596 (VCV000777596.36), dbSNP rs3734053, ClinGen allele CA3520766.